The following is an entry in ClinVar:

NM_006086.4(TUBB3):c.606C>T (p.Ile202=)

Gene: TUBB3 (tubulin beta 3 class III; plus strand). Cytogenetic location: 16q24.3.
Variant type: single nucleotide variant.
Coding change: c.606C>T on transcript NM_006086.4 (MANE Select); coding-DNA position 606, C replaced by T.
Protein change: p.Ile202=; no amino-acid change (isoleucine 202 retained).
Molecular consequence: synonymous variant.
Genome position (GRCh38, 1-based): chr16:89,935,057, C>T. VCF-style: chr16-89935057-C-T. GRCh37 (hg19) VCF-style: chr16-90001465-C-T.
Other names: c.390C>T, p.Ile130= (NM_001197181.2).
Identifiers: ClinVar variation 282047 (VCV000282047.7), dbSNP rs576180572, ClinGen allele CA8256135.
Genomic context (GRCh38, chr16:89,935,057, plus strand): 5'-CTACAACGCCACGCTGTCCATCCACCAGCTGGTGGAGAACACGGATGAGACCTACTGCAT[C>T]GACAACGAGGCGCTCTACGACATCTGCTTCCGCACCCTCAAGCTGGCCACGCCCACCTAC-3'
Protein context (NP_006077.2, residues 192-212): LVENTDETYC[Ile202=]DNEALYDICF

ClinVar aggregate classification (germline): Conflicting classifications of pathogenicity. Review status: criteria provided, conflicting classifications (1 of 4 stars). 3 submissions from 3 submitters: Uncertain significance (1); Likely benign (1). 1 of the submissions does not count toward it. Last evaluated 2016-02-19.

Conditions:
TUBB3-related disorder. Also called: TUBB3-related condition; TUBB3-related disorders.

Allele frequency attached by ClinVar (database versions not stated): gnomAD 0.00003 and 0.00001; ExAC 0.00020; gnomAD exomes 0.00021; 1000 Genomes Project 0.00040; 1000 Genomes Project 30x 0.00062; TOPMed 0.00001.
gnomAD v4.1: 156 of 1,614,192 alleles (0.0097%); highest among the groups gnomAD compares: South Asian, 0.15%; no homozygotes.

Submissions (3):

GeneDx
Classification: Likely benign. Last evaluated: 2016-02-19. Review status: criteria provided, single submitter. Criteria: GeneDx Variant Classification (06012015). Collection method: clinical testing. Allele origin: germline. Affected: yes.
Comment: This variant is considered likely benign or benign based on one or more of the following criteria: it is a conservative change, it occurs at a poorly conserved position in the protein, it is predicted to be benign by multiple in silico algorithms, and/or has population frequency not consistent with disease.

Eurofins Ntd Llc (ga)
Classification: Uncertain significance. Last evaluated: 2015-07-31. Review status: criteria provided, single submitter. Criteria: EGL Classification Definitions 2015. Collection method: clinical testing. Allele origin: germline. Observed: 1 variant allele, 1 heterozygote.

PreventionGenetics, part of Exact Sciences
Classification: Likely benign for TUBB3-related condition. Last evaluated: 2023-05-16. Review status: no assertion criteria provided. Collection method: clinical testing. Allele origin: germline. Not counted in ClinVar's aggregate classification.
Comment: This variant is classified as likely benign based on ACMG/AMP sequence variant interpretation guidelines (Richards et al. 2015 PMID: 25741868, with internal and published modifications).